The following is an entry in ClinVar:

ClinVar aggregate classification (germline): Uncertain significance (1 of 4 stars; one submission).

Conditions:
Hereditary cancer-predisposing syndrome. Also called: Neoplastic Syndromes, Hereditary; Tumor predisposition; Hereditary neoplastic syndrome; Hereditary Cancer Syndrome. Identifiers: Orphanet 140162, MedGen C0027672, MeSH D009386, MONDO:0015356.

Submission:

Ambry Genetics
Classification: Uncertain significance for Hereditary cancer-predisposing syndrome. Last evaluated: 2019-08-26. Review status: criteria provided, single submitter. Criteria: Ambry Variant Classification Scheme 2023. Collection method: clinical testing. Allele origin: germline.
Comment: The p.R215G variant (also known as c.643C>G), located in coding exon 6 of the NBN gene, results from a C to G substitution at nucleotide position 643. The arginine at codon 215 is replaced by glycine, an amino acid with dissimilar properties. This amino acid position is not well conserved in available vertebrate species. In addition, the in silico prediction for this alteration is inconclusive. Since supporting evidence is limited at this time, the clinical significance of this alteration remains unclear.

NM_002485.5(NBN):c.643C>G (p.Arg215Gly)

Gene: NBN (nibrin; minus strand). Cytogenetic location: 8q21.3.
Variant type: single nucleotide variant.
Coding change: c.643C>G on transcript NM_002485.5 (MANE Select); coding-DNA position 643, C replaced by G.
Protein change: p.Arg215Gly; replaces arginine 215 with glycine.
Molecular consequence: missense variant.
Genome position (GRCh38, 1-based): chr8:89,971,232, G>C on the plus strand (C>G on the coding strand, the complement: NBN is on the minus strand). VCF-style: chr8-89971232-G-C. GRCh37 (hg19) VCF-style: chr8-90983460-G-C.
Other names: c.397C>G, p.Arg133Gly (NM_001024688.3); short protein forms R215G, R133G.
Identifiers: ClinVar variation 826403 (VCV000826403.4), dbSNP rs34767364, ClinGen allele CA181276776.